The following is an entry in ClinVar:

ClinVar aggregate classification (germline): Pathogenic/Likely pathogenic. Review status: criteria provided, multiple submitters, no conflicts (2 of 4 stars). 3 submissions from 3 submitters: Pathogenic (1); Likely pathogenic (2). Last evaluated 2024-08-06.

Conditions:
Nephronophthisis. Also called: Juvenile Nephronophthisis. Identifiers: Orphanet 655, MedGen C0687120, MONDO:0019005, HP:0000090.
Nephronophthisis 3 (NPHP3). Also called: Adolescent nephronophthisis. Identifiers: Orphanet 655, MedGen C1858392, MONDO:0011456, OMIM 604387.
Renal-hepatic-pancreatic dysplasia 1 (RHPD1). Identifiers: MedGen C3715199, MONDO:0008833, OMIM 208540.
NPHP3-related Meckel-like syndrome. Also called: GOLDSTON SYNDROME; Meckel syndrome type 7. Identifiers: Orphanet 3032, MedGen C2673885, MONDO:0009966, OMIM 267010.

Allele frequency attached by ClinVar (database versions not stated): gnomAD exomes 0.00001 and 0.00002.
gnomAD v4.1: 12 of 1,607,766 alleles (0.00075%); highest among the groups gnomAD compares: Non-Finnish European, 0.00094%; no homozygotes.

Submissions (3):

Labcorp Genetics (formerly Invitae), Labcorp
Classification: Likely pathogenic for Nephronophthisis. Last evaluated: 2024-08-06. Review status: criteria provided, single submitter. Criteria: Invitae Variant Classification Sherloc (09022015). Collection method: clinical testing. Allele origin: germline.
Comment: This sequence change affects a donor splice site in intron 18 of the NPHP3 gene. It is expected to disrupt RNA splicing. Variants that disrupt the donor or acceptor splice site typically lead to a loss of protein function (PMID: 16199547), and loss-of-function variants in NPHP3 are known to be pathogenic (PMID: 18371931, 23559409). This variant is present in population databases (no rsID available, gnomAD 0.004%). Disruption of this splice site has been observed in individual(s) with nephronophthisis (PMID: 23188109, 36090483). ClinVar contains an entry for this variant (Variation ID: 1029229). Algorithms developed to predict the effect of sequence changes on RNA splicing suggest that this variant may disrupt the consensus splice site. In summary, the currently available evidence indicates that the variant is pathogenic, but additional data are needed to prove that conclusively. Therefore, this variant has been classified as Likely Pathogenic.

Fulgent Genetics
Classification: Likely pathogenic for Renal-hepatic-pancreatic dysplasia 1; NPHP3-related Meckel-like syndrome; Nephronophthisis 3. Last evaluated: 2024-03-15. Review status: criteria provided, single submitter. Criteria: ACMG Guidelines, 2015. Collection method: clinical testing. Allele origin: germline.

GeneDx
Classification: Pathogenic. Last evaluated: 2020-08-05. Review status: criteria provided, single submitter. Criteria: GeneDx Variant Classification Process June 2021. Collection method: clinical testing. Allele origin: germline. Affected: yes.
Comment: Canonical splice site variant predicted to result in a null allele in a gene for which loss-of-function is a known mechanism of disease; Not observed at a significant frequency in large population cohorts (Lek et al., 2016); This variant is associated with the following publications: (PMID: 23559409, 23188109)

Literature cited by the submitters: PubMed 16199547 (cited by Labcorp Genetics (formerly Invitae), Labcorp); PubMed 18371931 (cited by Labcorp Genetics (formerly Invitae), Labcorp); PubMed 23559409 (cited by Labcorp Genetics (formerly Invitae), Labcorp); PubMed 23188109 (cited by Labcorp Genetics (formerly Invitae), Labcorp); PubMed 36090483 (cited by Labcorp Genetics (formerly Invitae), Labcorp).

NM_153240.5(NPHP3):c.2570+1G>T

Genes: NPHP3-ACAD11 (NPHP3-ACAD11 readthrough (NMD candidate); minus strand), NPHP3 (nephrocystin 3; minus strand). Cytogenetic location: 3q22.1.
Variant type: single nucleotide variant.
Coding change: c.2570+1G>T on transcript NM_153240.5 (MANE Select); the canonical splice donor site of the intron after coding-DNA position 2570, G replaced by T.
Molecular consequence: splice donor variant.
Genome position (GRCh38, 1-based): chr3:132,691,191, C>A on the plus strand (G>T on the coding strand, the complement: NPHP3 is on the minus strand). VCF-style: chr3-132691191-C-A. GRCh37 (hg19) VCF-style: chr3-132410035-C-A.
Identifiers: ClinVar variation 1029229 (VCV001029229.10), dbSNP rs1322038132, ClinGen allele CA354581000.
Genomic context (GRCh38, chr3:132,691,191, plus strand): 5'-AAGGACACAAAGGTAGTGTGTTGCAGAAGTTACAGAAGAACAACAGGAACATTTACAATA[C>A]CTTAGCTGCAAGGTGAAATAGTTGATTAGCTTTTGCCTGTATGAAGAAGTAACAGTGGGG-3'